The following is an entry in ClinVar:

NM_004817.4(TJP2):c.524C>T (p.Pro175Leu)

Gene: TJP2 (tight junction protein 2; plus strand). Cytogenetic location: 9q21.11.
Variant type: single nucleotide variant.
Coding change: c.524C>T on transcript NM_004817.4 (MANE Select); coding-DNA position 524, C replaced by T.
Protein change: p.Pro175Leu; replaces proline 175 with leucine.
Molecular consequence: missense variant.
Genome position (GRCh38, 1-based): chr9:69,221,068, C>T. VCF-style: chr9-69221068-C-T. GRCh37 (hg19) VCF-style: chr9-71835984-C-T.
Other names: c.455C>T, p.Pro152Leu (NM_001170414.2, NM_001369870.1, NM_001369871.1); c.536C>T, p.Pro179Leu (NM_001170415.1, NM_001369874.1, NM_001369875.1); c.617C>T, p.Pro206Leu (NM_001170416.2); c.524C>T, p.Pro175Leu (NM_001369872.1, NM_001369873.1, NM_201629.3); short protein forms P179L, P206L, P175L, P152L.
Identifiers: ClinVar variation 4980087 (VCV004980087.1).

ClinVar aggregate classification (germline): Uncertain significance (1 of 4 stars; one submission).

Conditions:
TJP2-related disorder. Also called: TJP2-related condition.

gnomAD v4.1: 144 of 1,595,992 alleles (0.009%); highest among the groups gnomAD compares: South Asian, 0.057%; 1 homozygote.

Submission:

PreventionGenetics, part of Exact Sciences
Classification: Uncertain significance for TJP2-related condition. Last evaluated: 2026-02-10. Review status: criteria provided, single submitter. Criteria: ACMG Guidelines, 2015. Collection method: clinical testing. Allele origin: germline.
Comment: The TJP2 c.524C>T variant is predicted to result in the amino acid substitution p.Pro175Leu. This variant was reported in an individual with Gallstone disease (Zöllner et al. 2023. PubMed ID: 37208429). This variant is reported in 0.036% of alleles in individuals of South Asian descent in gnomAD. At this time, the clinical significance of this variant is uncertain due to the absence of conclusive functional and genetic evidence.